The following is an entry in ClinVar:

ClinVar aggregate classification (germline): Conflicting classifications of pathogenicity. Review status: criteria provided, conflicting classifications (1 of 4 stars). 3 submissions from 3 submitters: Uncertain significance (1); Benign (1); Likely benign (1). Last evaluated 2026-01-24.

Conditions:
Luscan-Lumish syndrome. Identifiers: Orphanet 597738, MedGen C4085873, MONDO:0014791, OMIM 616831.

Allele frequency attached by ClinVar (database versions not stated): gnomAD exomes 0.00005 and 0.00006; gnomAD 0.00006 and 0.00007; ExAC 0.00007; ESP Exome Variant Server 0.00008; TOPMed 0.00008.
gnomAD v4.1: 89 of 1,614,020 alleles (0.0055%); highest among the groups gnomAD compares: Middle Eastern, 0.033%; no homozygotes.

Submissions (3):

Labcorp Genetics (formerly Invitae), Labcorp
Classification: Benign for Luscan-Lumish syndrome. Last evaluated: 2026-01-24. Review status: criteria provided, single submitter. Criteria: Invitae Variant Classification Sherloc (09022015). Collection method: clinical testing. Allele origin: germline.

CeGaT Center for Human Genetics Tuebingen
Classification: Likely benign. Last evaluated: 2026-01-01. Review status: criteria provided, single submitter. Criteria: CeGaT Center For Human Genetics Tuebingen Variant Classification Criteria Version 2. Collection method: clinical testing. Allele origin: germline. Affected: yes. Observed: 1 variant allele.
Comment: SETD2: BP4

New York Genome Center
Classification: Uncertain significance for Luscan-Lumish syndrome. Last evaluated: 2022-04-15. Review status: criteria provided, single submitter. Criteria: NYGC Assertion Criteria 2020. Collection method: clinical testing. Allele origin: germline. Observed: 1 heterozygote.

NM_014159.7(SETD2):c.5829C>G (p.Asn1943Lys)

Gene: SETD2 (SET domain containing 2, histone lysine methyltransferase; minus strand). Cytogenetic location: 3p21.31.
Variant type: single nucleotide variant.
Coding change: c.5829C>G on transcript NM_014159.7 (MANE Select); coding-DNA position 5829, C replaced by G.
Protein change: p.Asn1943Lys; replaces asparagine 1943 with lysine.
Molecular consequence: missense variant. On other transcripts: non-coding transcript variant (1).
Genome position (GRCh38, 1-based): chr3:47,083,951, G>C on the plus strand (C>G on the coding strand, the complement: SETD2 is on the minus strand). VCF-style: chr3-47083951-G-C. GRCh37 (hg19) VCF-style: chr3-47125441-G-C.
Other names: c.5697C>G, p.Asn1899Lys (NM_001349370.3); short protein forms N1899K, N1943K.
Identifiers: ClinVar variation 767119 (VCV000767119.14), dbSNP rs369421455, ClinGen allele CA2362844.
Genomic context (GRCh38, chr3:47,083,951, plus strand): 5'-TTTGGGCTCTATTTCAGCGTCAGCTTCTGGTTCAGATGTAGGTAGCTTACTAGCTTCTAT[G>C]TTGGTTTCACTATCAACTTTGCATTCAGGCAGCTGTTGTGGGAGTAGCTGTTGTGACTGC-3'
Protein context (NP_054878.5, residues 1933-1953): LPECKVDSET[Asn1943Lys]IEASKLPTSE